The following is an entry in ClinVar:

ClinVar aggregate classification (germline): Pathogenic (1 of 4 stars; one submission).

Submission:

GeneDx
Classification: Pathogenic. Last evaluated: 2024-04-23. Review status: criteria provided, single submitter. Criteria: GeneDx Variant Classification Process June 2021. Collection method: clinical testing. Allele origin: germline. Affected: yes.
Comment: Nonsense variant predicted to result in protein truncation or nonsense mediated decay in a gene for which loss of function is a known mechanism of disease; Not observed at significant frequency in large population cohorts (gnomAD); Included in a table listing pathogenic ZNF462 variants from the ClinVar and LOVD databases, but no clinical information was provided (PMID: 32543299); This variant is associated with the following publications: (PMID: 32543299)

NM_021224.6(ZNF462):c.3202C>T (p.Arg1068Ter)

Gene: ZNF462 (zinc finger protein 462; plus strand). Cytogenetic location: 9q31.2.
Variant type: single nucleotide variant.
Coding change: c.3202C>T on transcript NM_021224.6 (MANE Select); coding-DNA position 3202, C replaced by T.
Protein change: p.Arg1068Ter; replaces arginine 1068 with a stop codon.
Molecular consequence: nonsense.
Genome position (GRCh38, 1-based): chr9:106,927,114, C>T. VCF-style: chr9-106927114-C-T. GRCh37 (hg19) VCF-style: chr9-109689395-C-T.
Other names: c.3202C>T, p.Arg1068Ter (NM_001347997.2); short protein forms R1068*.
Identifiers: ClinVar variation 489120 (VCV000489120.4), dbSNP rs562767308, ClinGen allele CA197489712.